The following is an entry in ClinVar:

NM_002471.4(MYH6):c.1988A>G (p.Asn663Ser)

Gene: MYH6 (myosin heavy chain 6; minus strand). Cytogenetic location: 14q11.2.
Variant type: single nucleotide variant.
Coding change: c.1988A>G on transcript NM_002471.4 (MANE Select); coding-DNA position 1988, A replaced by G.
Protein change: p.Asn663Ser; replaces asparagine 663 with serine.
Molecular consequence: missense variant.
Genome position (GRCh38, 1-based): chr14:23,397,232, T>C on the plus strand (A>G on the coding strand, the complement: MYH6 is on the minus strand). VCF-style: chr14-23397232-T-C. GRCh37 (hg19) VCF-style: chr14-23866441-T-C.
Other names: short protein forms N663S.
Identifiers: ClinVar variation 1783897 (VCV001783897.3), dbSNP rs1891425952, ClinGen allele CA389019429.

ClinVar aggregate classification (germline): Uncertain significance (1 of 4 stars; one submission).

Conditions:
Cardiovascular phenotype. Identifiers: MedGen CN230736.

Allele frequency attached by ClinVar (database versions not stated): gnomAD exomes below 0.00001.
gnomAD v4.1: 7 of 1,614,112 alleles (0.00043%); highest among the groups gnomAD compares: Non-Finnish European, 0.00059%; no homozygotes.

Submission:

Ambry Genetics
Classification: Uncertain significance for Cardiovascular phenotype. Last evaluated: 2024-06-28. Review status: criteria provided, single submitter. Criteria: Ambry Variant Classification Scheme 2023. Collection method: clinical testing. Allele origin: germline.
Comment: The p.N663S variant (also known as c.1988A>G), located in coding exon 15 of the MYH6 gene, results from an A to G substitution at nucleotide position 1988. The asparagine at codon 663 is replaced by serine, an amino acid with highly similar properties. This amino acid position is highly conserved in available vertebrate species. In addition, this alteration is predicted to be tolerated by in silico analysis. Since supporting evidence is limited at this time, the clinical significance of this alteration remains unclear.